The following is an entry in ClinVar:

ClinVar aggregate classification (germline): Benign/Likely benign. Review status: criteria provided, multiple submitters, no conflicts (2 of 4 stars). 13 submissions from 13 submitters: Benign (12); Likely benign (1). Last evaluated 2026-09-01.

Conditions:
Hereditary cancer-predisposing syndrome. Also called: Hereditary neoplastic syndrome; Hereditary Cancer Syndrome; Neoplastic Syndromes, Hereditary; Tumor predisposition. Identifiers: Orphanet 140162, MedGen C0027672, MeSH D009386, MONDO:0015356.
Neuroblastoma, susceptibility to, 3. Also called: ALK-Related Neuroblastic Tumor Susceptibility. Identifiers: Orphanet 635, MedGen C2751681, MONDO:0013083, OMIM 613014.

Allele frequency attached by ClinVar (database versions not stated): 1000 Genomes Project 30x 0.00390; 1000 Genomes Project 0.00399; ExAC 0.00561; gnomAD exomes 0.00598 and 0.00932; gnomAD 0.00600 and 0.00615; TOPMed 0.00654; ESP Exome Variant Server 0.00723.
gnomAD v4.1: 14,523 of 1,614,186 alleles (0.9%); highest among the groups gnomAD compares: Non-Finnish European, 1.1%; 97 homozygotes.

Submissions (13):

CeGaT Center for Human Genetics Tuebingen
Classification: Benign. Last evaluated: 2026-09-01. Review status: criteria provided, single submitter. Criteria: CeGaT Center For Human Genetics Tuebingen Variant Classification Criteria Version 2. Collection method: clinical testing. Allele origin: germline. Affected: yes. Observed: 54 variant alleles.
Comment: ALK: BP4, BS1, BS2

Labcorp Genetics (formerly Invitae), Labcorp
Classification: Benign for Neuroblastoma, susceptibility to, 3. Last evaluated: 2026-02-04. Review status: criteria provided, single submitter. Criteria: Invitae Variant Classification Sherloc (09022015). Collection method: clinical testing. Allele origin: germline.

ARUP Laboratories, Molecular Genetics and Genomics, ARUP Laboratories
Classification: Benign for Neuroblastoma, susceptibility to, 3. Last evaluated: 2025-07-15. Review status: criteria provided, single submitter. Criteria: ARUP Molecular Germline Variant Investigation Process 2024. Collection method: clinical testing. Allele origin: germline.

Mayo Clinic Laboratories, Mayo Clinic
Classification: Likely benign. Last evaluated: 2025-05-28. Review status: criteria provided, single submitter. Criteria: ACMG Guidelines, 2015. Collection method: clinical testing. Allele origin: germline. Observed: 3 variant alleles.
Comment: BS1, BP4, BP7

KCCC/NGS Laboratory, Kuwait Cancer Control Center
Classification: Benign for Neuroblastoma, susceptibility to, 3. Last evaluated: 2023-07-07. Review status: criteria provided, single submitter. Criteria: ACMG Guidelines, 2015. Collection method: clinical testing. Allele origin: germline. Affected: yes.

Genetic Services Laboratory, University of Chicago
Classification: Benign. Last evaluated: 2021-04-13. Review status: criteria provided, single submitter. Criteria: ACMG Guidelines, 2015. Collection method: clinical testing. Allele origin: germline. Affected: no.

Sema4
Classification: Benign for Hereditary cancer-predisposing syndrome. Last evaluated: 2020-02-24. Review status: criteria provided, single submitter. Criteria: Sema4 Curation Guidelines. Collection method: curation. Allele origin: germline.

Illumina Laboratory Services, Illumina
Classification: Benign for Neuroblastoma, susceptibility to, 3. Last evaluated: 2018-01-12. Review status: criteria provided, single submitter. Criteria: ICSL Variant Classification Criteria 13 December 2019. Collection method: clinical testing. Allele origin: germline.
Comment: This variant was observed in the ICSL laboratory as part of a predisposition screen in an ostensibly healthy population. It had not been previously curated by ICSL or reported in the Human Gene Mutation Database (HGMD: prior to June 1st, 2018), and was therefore a candidate for classification through an automated scoring system. Utilizing variant allele frequency, disease prevalence and penetrance estimates, and inheritance mode, an automated score was calculated to assess if this variant is too frequent to cause the disease. Based on the score and internal cut-off values, a variant classified as benign is not then subjected to further curation. The score for this variant resulted in a classification of benign for this disease.

Ambry Genetics
Classification: Benign for Hereditary cancer-predisposing syndrome. Last evaluated: 2017-01-06. Review status: criteria provided, single submitter. Criteria: Ambry Variant Classification Scheme 2023. Collection method: clinical testing. Allele origin: germline.

GeneDx
Classification: Benign. Last evaluated: 2016-09-20. Review status: criteria provided, single submitter. Criteria: GeneDx Variant Classification (06012015). Collection method: clinical testing. Allele origin: germline. Affected: yes.
Comment: This variant is considered likely benign or benign based on one or more of the following criteria: it is a conservative change, it occurs at a poorly conserved position in the protein, it is predicted to be benign by multiple in silico algorithms, and/or has population frequency not consistent with disease.

Women's Health and Genetics/Laboratory Corporation of America, LabCorp
Classification: Benign. Last evaluated: 2016-08-24. Review status: criteria provided, single submitter. Criteria: LabCorp Variant Classification Summary - May 2015. Collection method: clinical testing. Allele origin: germline.
Comment: Variant summary: The ALK c.1464C>T (p.Gly488Gly) variant involves the alteration of a conserved nucleotide, resulting in a synonymous change. One in silico tool predicts a damaging outcome for this variant. 4/5 splice prediction tools predict no significant impact on normal splicing. This variant was found in 681/121400 control chromosomes (5 homozygotes) at a frequency of 0.0056096, which is approximately 13463 times the estimated maximal expected allele frequency of a pathogenic ALK variant (0.0000004), suggesting this variant is likely a benign polymorphism. The variant of interest has not, to our knowledge, been reported in affected individuals via publications. Taken together, this variant is classified as Benign.

Breakthrough Genomics
Classification: Benign. Review status: criteria provided, single submitter. Criteria: ACMG Guidelines, 2015. Collection method: not provided. Allele origin: germline. Inheritance: Unknown mechanism. Affected: yes.

PreventionGenetics, part of Exact Sciences
Classification: Benign. Review status: criteria provided, single submitter. Criteria: ACMG Guidelines, 2015. Collection method: clinical testing. Allele origin: germline.

NM_004304.5(ALK):c.1464C>T (p.Gly488=)

Gene: ALK (ALK receptor tyrosine kinase; minus strand). Cytogenetic location: 2p23.2.
Variant type: single nucleotide variant.
Coding change: c.1464C>T on transcript NM_004304.5 (MANE Select); coding-DNA position 1464, C replaced by T.
Protein change: p.Gly488=; no amino-acid change (glycine 488 retained).
Molecular consequence: synonymous variant.
Genome position (GRCh38, 1-based): chr2:29,320,833, G>A on the plus strand (C>T on the coding strand, the complement: ALK is on the minus strand). VCF-style: chr2-29320833-G-A. GRCh37 (hg19) VCF-style: chr2-29543699-G-A.
Other names: p.Gly488=.
Identifiers: ClinVar variation 259265 (VCV000259265.50), dbSNP rs56165377, ClinGen allele CA1594640.